The following is an entry in ClinVar:

NM_030665.4(RAI1):c.385C>T (p.Pro129Ser)

Gene: RAI1 (retinoic acid induced 1; plus strand). Cytogenetic location: 17p11.2.
Variant type: single nucleotide variant.
Coding change: c.385C>T on transcript NM_030665.4 (MANE Select); coding-DNA position 385, C replaced by T.
Protein change: p.Pro129Ser; replaces proline 129 with serine.
Molecular consequence: missense variant.
Genome position (GRCh38, 1-based): chr17:17,793,333, C>T. VCF-style: chr17-17793333-C-T. GRCh37 (hg19) VCF-style: chr17-17696647-C-T.
Other names: short protein forms P129S.
Identifiers: ClinVar variation 3348264 (VCV003348264.1).

ClinVar aggregate classification (germline): Uncertain significance (0 of 4 stars; one submission).

Conditions:
RAI1-related disorder. Also called: RAI1-related condition.

gnomAD v4.1: 7 of 1,612,558 alleles (0.00043%); highest among the groups gnomAD compares: South Asian, 0.0077%; no homozygotes.

Submission:

PreventionGenetics, part of Exact Sciences
Classification: Uncertain significance for RAI1-related condition. Last evaluated: 2024-01-05. Review status: no assertion criteria provided. Collection method: clinical testing. Allele origin: germline.
Comment: The RAI1 c.385C>T variant is predicted to result in the amino acid substitution p.Pro129Ser. To our knowledge, this variant has not been reported in the literature or in a large population database, indicating this variant is rare. At this time, the clinical significance of this variant is uncertain due to the absence of conclusive functional and genetic evidence.